The following is an entry in ClinVar:

ClinVar aggregate classification (germline): Uncertain significance (1 of 4 stars; one submission).

Submission:

Women's Health and Genetics/Laboratory Corporation of America, LabCorp
Classification: Uncertain significance. Last evaluated: 2023-04-21. Review status: criteria provided, single submitter. Criteria: LabCorp Variant Classification Summary - May 2015. Collection method: clinical testing. Allele origin: germline.
Comment: Variant summary: FBXO38 c.2428+91G>C is located at a position not widely known to affect splicing. 2 computational tools predict no significant impact on normal splicing, while 2 predict the variant strenghens a cryptic 3' splice acceptor site. However, these predictions have yet to be confirmed by functional studies. The variant is also expected to result in a missense change (p.G840A) in exon 14 of an alternate transcript. The variant was absent in 244394 control chromosomes (gnomAD). The available data on variant occurrences in the general population are insufficient to allow any conclusion about variant significance. To our knowledge, no occurrence of c.2428+91G>C in individuals affected with Neuronopathy, Distal Hereditary Motor, Type 2D and no experimental evidence demonstrating its impact on protein function have been reported. No submitters have provided clinical-significance assessments for this variant to ClinVar after 2014. Based on the evidence outlined above, the variant was classified as uncertain significance.

NM_205836.3(FBXO38):c.2519G>C (p.Gly840Ala)

Gene: FBXO38 (F-box protein 38; plus strand). Cytogenetic location: 5q32.
Variant type: single nucleotide variant.
Coding change: c.2519G>C on transcript NM_205836.3 (MANE Select); coding-DNA position 2519, G replaced by C.
Protein change: p.Gly840Ala; replaces glycine 840 with alanine.
Molecular consequence: missense variant. On other transcripts: intron variant (2).
Genome position (GRCh38, 1-based): chr5:148,427,813, G>C. VCF-style: chr5-148427813-G-C. GRCh37 (hg19) VCF-style: chr5-147807376-G-C.
Other names: c.2428+91G>C (NM_030793.5, NM_030793.4); c.1918+2112G>C (NM_001271723.2); short protein forms G840A.
Identifiers: ClinVar variation 2503831 (VCV002503831.1), dbSNP rs2531812838, ClinGen allele CA361657991.